The following is an entry in ClinVar:

NM_016360.4(TACO1):c.67G>A (p.Gly23Arg)

Gene: TACO1 (translational activator of cytochrome c oxidase I; plus strand). Cytogenetic location: 17q23.3.
Variant type: single nucleotide variant.
Coding change: c.67G>A on transcript NM_016360.4 (MANE Select); coding-DNA position 67, G replaced by A.
Protein change: p.Gly23Arg; replaces glycine 23 with arginine.
Molecular consequence: missense variant.
Genome position (GRCh38, 1-based): chr17:63,601,150, G>A. VCF-style: chr17-63601150-G-A. GRCh37 (hg19) VCF-style: chr17-61678509-G-A.
Other names: short protein forms G23R.
Identifiers: ClinVar variation 1446075 (VCV001446075.6), dbSNP rs2147786061, ClinGen allele CA400547872.
Genomic context (GRCh38, chr17:63,601,150, plus strand): 5'-GCTTGGGCTGCTGCCAGCCTAAGCAGGGCCGCTGCCCGATGCTTGCTGGCACGAGGCCCC[G>A]GGGTCAGGGCGGCTCCTCCGCGCGACCCCCGGCCCTCCCACCCCGAGCCCCGGGGCTGCG-3'
Protein context (NP_057444.2, residues 13-33): AARCLLARGP[Gly23Arg]VRAAPPRDPR

ClinVar aggregate classification (germline): Uncertain significance (1 of 4 stars; one submission).

Submission:

Labcorp Genetics (formerly Invitae), Labcorp
Classification: Uncertain significance. Last evaluated: 2021-12-03. Review status: criteria provided, single submitter. Criteria: Invitae Variant Classification Sherloc (09022015). Collection method: clinical testing. Allele origin: germline.
Comment: This sequence change replaces glycine, which is neutral and non-polar, with arginine, which is basic and polar, at codon 23 of the TACO1 protein (p.Gly23Arg). This variant is not present in population databases (gnomAD no frequency). This variant has not been reported in the literature in individuals affected with TACO1-related conditions. Algorithms developed to predict the effect of missense changes on protein structure and function output the following: SIFT: "Deleterious"; PolyPhen-2: "Not Available"; Align-GVGD: "Class C0". The arginine amino acid residue is found in multiple mammalian species, which suggests that this missense change does not adversely affect protein function. In summary, the available evidence is currently insufficient to determine the role of this variant in disease. Therefore, it has been classified as a Variant of Uncertain Significance.